The following is an entry in ClinVar:

NM_006904.7(PRKDC):c.11805C>T (p.Gly3935=)

Gene: PRKDC (protein kinase, DNA-activated, catalytic subunit; minus strand). Cytogenetic location: 8q11.21.
Variant type: single nucleotide variant.
Coding change: c.11805C>T on transcript NM_006904.7 (MANE Select); coding-DNA position 11805, C replaced by T.
Protein change: p.Gly3935=; no amino-acid change (glycine 3935 retained).
Molecular consequence: synonymous variant.
Genome position (GRCh38, 1-based): chr8:47,778,507, G>A on the plus strand (C>T on the coding strand, the complement: PRKDC is on the minus strand). VCF-style: chr8-47778507-G-A. GRCh37 (hg19) VCF-style: chr8-48691068-G-A.
Other names: c.11712C>T, p.Gly3904= (NM_001081640.2).
Identifiers: ClinVar variation 379753 (VCV000379753.47), dbSNP rs8178249, ClinGen allele CA4738991.

ClinVar aggregate classification (germline): Benign/Likely benign. Review status: criteria provided, multiple submitters, no conflicts (2 of 4 stars). 7 submissions from 7 submitters: Benign (1); Likely benign (4). 2 of the submissions do not count toward it. Last evaluated 2026-08-01.

Conditions:
Severe combined immunodeficiency due to DNA-PKcs deficiency. Also called: Immunodeficiency 26 with or without neurologic abnormalities; IMMUNODEFICIENCY 26 WITH NEUROLOGIC ABNORMALITIES. Identifiers: Orphanet 317425, MedGen C4014833, MONDO:0014423, OMIM 615966.

Allele frequency attached by ClinVar (database versions not stated): 1000 Genomes Project 0.00180; 1000 Genomes Project 30x 0.00187; ESP Exome Variant Server 0.00470; TOPMed 0.00483; gnomAD exomes 0.00530 and 0.00533; ExAC 0.00555; gnomAD 0.00562 and 0.00590.
gnomAD v4.1: 8,658 of 1,613,570 alleles (0.54%); highest among the groups gnomAD compares: Middle Eastern, 3.1%; 57 homozygotes.

Submissions (7):

CeGaT Center for Human Genetics Tuebingen
Classification: Likely benign. Last evaluated: 2026-08-01. Review status: criteria provided, single submitter. Criteria: CeGaT Center For Human Genetics Tuebingen Variant Classification Criteria Version 2. Collection method: clinical testing. Allele origin: germline. Affected: yes. Observed: 14 variant alleles.
Comment: PRKDC: BP4, BP7, BS2

Labcorp Genetics (formerly Invitae), Labcorp
Classification: Benign for Severe combined immunodeficiency due to DNA-PKcs deficiency. Last evaluated: 2026-02-03. Review status: criteria provided, single submitter. Criteria: Invitae Variant Classification Sherloc (09022015). Collection method: clinical testing. Allele origin: germline.

Fulgent Genetics
Classification: Likely benign for Severe combined immunodeficiency due to DNA-PKcs deficiency. Last evaluated: 2021-11-10. Review status: criteria provided, single submitter. Criteria: ACMG Guidelines, 2015. Collection method: clinical testing. Allele origin: unknown.

GeneDx
Classification: Likely benign. Last evaluated: 2017-09-02. Review status: criteria provided, single submitter. Criteria: GeneDx Variant Classification (06012015). Collection method: clinical testing. Allele origin: germline. Affected: yes.
Comment: This variant is considered likely benign or benign based on one or more of the following criteria: it is a conservative change, it occurs at a poorly conserved position in the protein, it is predicted to be benign by multiple in silico algorithms, and/or has population frequency not consistent with disease.

Breakthrough Genomics
Classification: Likely benign. Review status: criteria provided, single submitter. Criteria: ACMG Guidelines, 2015. Collection method: not provided. Allele origin: germline. Inheritance: Autosomal recessive inheritance. Affected: yes.

Clinical Genetics DNA and cytogenetics Diagnostics Lab, Erasmus MC, Erasmus Medical Center
Classification: Likely benign. Review status: no assertion criteria provided. Collection method: clinical testing. Allele origin: germline. Affected: yes. Study: VKGL Data-share Consensus. Not counted in ClinVar's aggregate classification.

Genome Diagnostics Laboratory, University Medical Center Utrecht
Classification: Likely benign. Review status: no assertion criteria provided. Collection method: clinical testing. Allele origin: germline. Affected: yes. Study: VKGL Data-share Consensus. Not counted in ClinVar's aggregate classification.